The following is an entry in ClinVar:

ClinVar aggregate classification (germline): Uncertain significance (1 of 4 stars; one submission).

Conditions:
Inborn genetic diseases. Identifiers: MedGen C0950123, MeSH D030342.

Submission:

Ambry Genetics
Classification: Uncertain significance for Inborn genetic diseases. Last evaluated: 2024-12-28. Review status: criteria provided, single submitter. Criteria: Ambry Variant Classification Scheme 2023. Collection method: clinical testing. Allele origin: germline.
Comment: The p.E398D variant (also known as c.1194A>T), located in coding exon 9 of the BMPR2 gene, results from an A to T substitution at nucleotide position 1194. The glutamic acid at codon 398 is replaced by aspartic acid, an amino acid with highly similar properties. This amino acid position is conserved. In addition, the in silico prediction for this alteration is inconclusive. Based on the available evidence, the clinical significance of this variant remains unclear.

NM_001204.7(BMPR2):c.1194A>T (p.Glu398Asp)

Gene: BMPR2 (bone morphogenetic protein receptor type 2; plus strand). Cytogenetic location: 2q33.2.
Variant type: single nucleotide variant.
Coding change: c.1194A>T on transcript NM_001204.7 (MANE Select); coding-DNA position 1194, A replaced by T.
Protein change: p.Glu398Asp; replaces glutamic acid 398 with aspartic acid.
Molecular consequence: missense variant.
Genome position (GRCh38, 1-based): chr2:202,532,650, A>T. VCF-style: chr2-202532650-A-T. GRCh37 (hg19) VCF-style: chr2-203397373-A-T.
Other names: short protein forms E398D.
Identifiers: ClinVar variation 3824786 (VCV003824786.1).